The following is an entry in ClinVar:

NM_206933.4(USH2A):c.3403A>G (p.Arg1135Gly)

Genes: USH2A (usherin; minus strand), USH2A-AS1 (USH2A antisense RNA 1; plus strand). Cytogenetic location: 1q41.
Variant type: single nucleotide variant.
Coding change: c.3403A>G on transcript NM_206933.4 (MANE Select); coding-DNA position 3403, A replaced by G.
Protein change: p.Arg1135Gly; replaces arginine 1135 with glycine.
Molecular consequence: missense variant.
Genome position (GRCh38, 1-based): chr1:216,200,035, T>C on the plus strand (A>G on the coding strand, the complement: USH2A is on the minus strand). VCF-style: chr1-216200035-T-C. GRCh37 (hg19) VCF-style: chr1-216373377-T-C.
Other names: c.3403A>G, p.Arg1135Gly (NM_007123.6); short protein forms R1135G.
Identifiers: ClinVar variation 959826 (VCV000959826.7), dbSNP rs2034947949, ClinGen allele CA344868795.

ClinVar aggregate classification (germline): Uncertain significance (1 of 4 stars; one submission).

Allele frequency attached by ClinVar (database versions not stated): TOPMed below 0.00001.

Submission:

Labcorp Genetics (formerly Invitae), Labcorp
Classification: Uncertain significance. Last evaluated: 2021-09-01. Review status: criteria provided, single submitter. Criteria: Invitae Variant Classification Sherloc (09022015). Collection method: clinical testing. Allele origin: germline.
Comment: This sequence change replaces arginine with glycine at codon 1135 of the USH2A protein (p.Arg1135Gly). The arginine residue is highly conserved and there is a moderate physicochemical difference between arginine and glycine. This variant is not present in population databases (ExAC no frequency). This variant has not been reported in the literature in individuals affected with USH2A-related conditions. Algorithms developed to predict the effect of missense changes on protein structure and function output the following: SIFT: "Deleterious"; PolyPhen-2: "Benign"; Align-GVGD: "Class C0". The glycine amino acid residue is found in multiple mammalian species, which suggests that this missense change does not adversely affect protein function. Algorithms developed to predict the effect of sequence changes on RNA splicing suggest that this variant may create or strengthen a splice site. In summary, the available evidence is currently insufficient to determine the role of this variant in disease. Therefore, it has been classified as a Variant of Uncertain Significance.